The following is an entry in ClinVar:

NM_001035.3(RYR2):c.2718+6T>C

Gene: RYR2 (ryanodine receptor 2; plus strand). Cytogenetic location: 1q43.
Variant type: single nucleotide variant.
Coding change: c.2718+6T>C on transcript NM_001035.3 (MANE Select); 6 bases into the intron after coding-DNA position 2718, T replaced by C.
Molecular consequence: intron variant.
Genome position (GRCh38, 1-based): chr1:237,506,820, T>C. VCF-style: chr1-237506820-T-C. GRCh37 (hg19) VCF-style: chr1-237670120-T-C.
Other names: c.2718+6T>C (LRG_402t1).
Identifiers: ClinVar variation 532381 (VCV000532381.10), dbSNP rs1416205366, ClinGen allele CA529540541.
Genomic context (GRCh38, chr1:237,506,820, plus strand): 5'-TATCCATGAACTCTGGGTTATGAATAAAATTGAGCTTGGCTGGCAGTATGGTCCGGTATG[T>C]AATTTTGAAATTTATTTTCAGATTCTGTGAATACATCTTTCTGAAAACATAACTTTTTCT-3'

ClinVar aggregate classification (germline): Uncertain significance (1 of 4 stars; one submission).

Conditions:
Catecholaminergic polymorphic ventricular tachycardia 1. Also called: VENTRICULAR TACHYCARDIA, CATECHOLAMINERGIC POLYMORPHIC, 1, WITH OR WITHOUT ATRIAL DYSFUNCTION AND/OR DILATED CARDIOMYOPATHY; RYR2-Related Catecholaminergic Polymorphic Ventricular Tachycardia; VENTRICULAR TACHYCARDIA, STRESS-INDUCED POLYMORPHIC 1. Identifiers: Orphanet 3286, MedGen C1631597, MONDO:0011484, OMIM 604772.

Submission:

Labcorp Genetics (formerly Invitae), Labcorp
Classification: Uncertain significance for Catecholaminergic polymorphic ventricular tachycardia 1. Last evaluated: 2017-09-24. Review status: criteria provided, single submitter. Criteria: Invitae Variant Classification Sherloc (09022015). Collection method: clinical testing. Allele origin: germline.
Comment: This sequence change falls in intron 23 of the RYR2 gene. It does not directly change the encoded amino acid sequence of the RYR2 protein, but it affects a nucleotide within the consensus splice site of the intron. This variant is not present in population databases (ExAC no frequency). This variant has not been reported in the literature in individuals with RYR2-related disease. Nucleotide substitutions within the consensus splice site are a relatively common cause of aberrant splicing (PMID: 17576681, 9536098). Algorithms developed to predict the effect of sequence changes on RNA splicing suggest that this variant may disrupt the consensus splice site, but this prediction has not been confirmed by published transcriptional studies. In summary, the available evidence is currently insufficient to determine the role of this variant in disease. Therefore, it has been classified as a Variant of Uncertain Significance.

Literature cited by the submitters: PubMed 17576681; PubMed 9536098.